The following is an entry in ClinVar:

ClinVar aggregate classification (germline): Uncertain significance. Review status: criteria provided, multiple submitters, no conflicts (2 of 4 stars). 2 submissions from 2 submitters: Uncertain significance (2). Last evaluated 2025-07-03.

Conditions:
Inborn genetic diseases. Identifiers: MedGen C0950123, MeSH D030342.

Submissions (2):

Ambry Genetics
Classification: Uncertain significance for Inborn genetic diseases. Last evaluated: 2025-07-03. Review status: criteria provided, single submitter. Criteria: Ambry Variant Classification Scheme 2023. Collection method: clinical testing. Allele origin: germline.
Comment: The p.L136I variant (also known as c.406C>A), located in coding exon 1 of the SAMD9L gene, results from a C to A substitution at nucleotide position 406. The leucine at codon 136 is replaced by isoleucine, an amino acid with highly similar properties. This amino acid position is conserved. In addition, this alteration is predicted to be tolerated by in silico analysis. Based on the available evidence, the clinical significance of this variant remains unclear.

Labcorp Genetics (formerly Invitae), Labcorp
Classification: Uncertain significance. Last evaluated: 2025-02-19. Review status: criteria provided, single submitter. Criteria: Invitae Variant Classification Sherloc (09022015). Collection method: clinical testing. Allele origin: germline.
Comment: This sequence change replaces leucine, which is neutral and non-polar, with isoleucine, which is neutral and non-polar, at codon 136 of the SAMD9L protein (p.Leu136Ile). This variant is not present in population databases (gnomAD no frequency). This variant has not been reported in the literature in individuals affected with SAMD9L-related conditions. An algorithm developed to predict the effect of missense changes on protein structure and function (PolyPhen-2) suggests that this variant is likely to be tolerated. In summary, the available evidence is currently insufficient to determine the role of this variant in disease. Therefore, it has been classified as a Variant of Uncertain Significance.

NM_152703.5(SAMD9L):c.406C>A (p.Leu136Ile)

Gene: SAMD9L (sterile alpha motif domain containing 9 like; minus strand). Cytogenetic location: 7q21.2.
Variant type: single nucleotide variant.
Coding change: c.406C>A on transcript NM_152703.5 (MANE Select); coding-DNA position 406, C replaced by A.
Protein change: p.Leu136Ile; replaces leucine 136 with isoleucine.
Molecular consequence: missense variant.
Genome position (GRCh38, 1-based): chr7:93,135,566, G>T on the plus strand (C>A on the coding strand, the complement: SAMD9L is on the minus strand). VCF-style: chr7-93135566-G-T. GRCh37 (hg19) VCF-style: chr7-92764879-G-T.
Other names: c.406C>A, p.Leu136Ile (NM_001303496.3, NM_001303497.3, NM_001303498.3 and 5 more transcripts); short protein forms L136I.
Identifiers: ClinVar variation 4159291 (VCV004159291.2).